The following is an entry in ClinVar:

ClinVar aggregate classification (germline): Likely benign (1 of 4 stars; one submission).

Conditions:
Neurofibromatosis, type 1 (NF1). Also called: VON RECKLINGHAUSEN DISEASE; NEUROFIBROMATOSIS, TYPE I, SOMATIC; Peripheral type neurofibromatosis; Neurofibromatosis, type I. Identifiers: Orphanet 636, MedGen C0027831, MONDO:0018975, OMIM 162200. Disease mechanism: loss of function.

Submission:

Myriad Genetics, Inc.
Classification: Likely benign for Neurofibromatosis, type 1. Last evaluated: 2026-05-11. Review status: criteria provided, single submitter. Criteria: Myriad Autosomal Dominant, Autosomal Recessive and X-Linked Classification Criteria (2023). Collection method: clinical testing. Allele origin: unknown.
Comment: This variant is considered likely benign. This variant is intronic and is not expected to impact mRNA splicing.

NM_001042492.3(NF1):c.61-13C>T

Gene: NF1 (neurofibromin 1; plus strand). Cytogenetic location: 17q11.2.
Variant type: single nucleotide variant.
Coding change: c.61-13C>T on transcript NM_001042492.3 (MANE Select); 13 bases into the intron before coding-DNA position 61, C replaced by T.
Molecular consequence: intron variant.
Genome position (GRCh38, 1-based): chr17:31,155,970, C>T. VCF-style: chr17-31155970-C-T. GRCh37 (hg19) VCF-style: chr17-29482988-C-T.
Other names: c.61-13C>T (NM_000267.4, NM_001128147.3).
Identifiers: ClinVar variation 4876184 (VCV004876184.1).